The following is an entry in ClinVar:

ClinVar aggregate classification (germline): Pathogenic (1 of 4 stars; one submission).

Submission:

Labcorp Genetics (formerly Invitae), Labcorp
Classification: Pathogenic. Last evaluated: 2023-05-13. Review status: criteria provided, single submitter. Criteria: Invitae Variant Classification Sherloc (09022015). Collection method: clinical testing. Allele origin: germline.
Comment: This variant has not been reported in the literature in individuals affected with COL7A1-related conditions. This variant is not present in population databases (gnomAD no frequency). This sequence change creates a premature translational stop signal (p.Arg105Profs*5) in the COL7A1 gene. It is expected to result in an absent or disrupted protein product. Loss-of-function variants in COL7A1 are known to be pathogenic (PMID: 16971478). For these reasons, this variant has been classified as Pathogenic. Algorithms developed to predict the effect of sequence changes on RNA splicing suggest that this variant may disrupt the consensus splice site. ClinVar contains an entry for this variant (Variation ID: 1412842).

Literature cited by the submitters: PubMed 16971478.

NM_000094.4(COL7A1):c.313dup (p.Arg105fs)

Gene: COL7A1 (collagen type VII alpha 1 chain; minus strand). Cytogenetic location: 3p21.31.
Variant type: Duplication.
Coding change: c.313dup on transcript NM_000094.4 (MANE Select); coding-DNA position 313, one base duplicated (C; older notation c.313dupC).
Protein change: p.Arg105fs; shifts the reading frame from arginine 105.
Molecular consequence: frameshift variant.
Genome position (GRCh38, 1-based): chr3:48,593,650, G duplicated on the plus strand (C on the coding strand, the reverse complement: COL7A1 is on the minus strand); the first of 2 consecutive G bases (chr3:48,593,650-48,593,651); duplicating either gives the same sequence. VCF-style (leftmost placement, unchanged base first): chr3-48593649-C-CG. GRCh37 (hg19) VCF-style: chr3-48631082-C-CG.
Other names: short protein forms R105fs.
Identifiers: ClinVar variation 1412842 (VCV001412842.6), dbSNP rs2045868741, ClinGen allele CA1047676682.
Genomic context (GRCh38, chr3:48,593,649, plus strand): 5'-TGGAGAATTGCAGCCCCTGTGCGAGTGTTGCCCCCCTTGTAGCTAAGCTCACGGATGGCG[C>CG]GGATCACATCACCCCCAGAGCCAAGTGCATCCAGGCCGAACTCTGTCCTGTTGGAGGGTA-3'